The following is an entry in ClinVar:

NM_000545.8(HNF1A):c.608G>A (p.Arg203His)

Gene: HNF1A (HNF1 homeobox A; plus strand). Cytogenetic location: 12q24.31.
Variant type: single nucleotide variant.
Coding change: c.608G>A on transcript NM_000545.8 (MANE Select); coding-DNA position 608, G replaced by A.
Protein change: p.Arg203His; replaces arginine 203 with histidine.
Molecular consequence: missense variant.
Genome position (GRCh38, 1-based): chr12:120,993,601, G>A. VCF-style: chr12-120993601-G-A. GRCh37 (hg19) VCF-style: chr12-121431404-G-A.
Other names: NM_000545.6(HNF1A):c.608G>A; p.Arg203His; c.608G>A, p.Arg203His (NM_001306179.2); short protein forms R203H.
Identifiers: ClinVar variation 129235 (VCV000129235.36), dbSNP rs587780357, ClinGen allele CA153100.
Genomic context (GRCh38, chr12:120,993,601, plus strand): 5'-GAGGGCTGATTGAAGAGCCCACAGGTGATGAGCTACCAACCAAGAAGGGGCGGAGGAACC[G>A]TTTCAAGTGGGGCCCAGCATCCCAGCAGATCCTGTTCCAGGCCTATGAGAGGCAGAAGAA-3'
Protein context (NP_000536.6, residues 193-213): ELPTKKGRRN[Arg203His]FKWGPASQQI

ClinVar aggregate classification (germline): Pathogenic. Review status: reviewed by expert panel (3 of 4 stars). 12 submissions from 12 submitters: Pathogenic (1). 11 of the submissions do not count toward it. Last evaluated 2022-04-10.

Conditions:
HNF1A-related disorder. Also called: HNF1A-related condition.
Maturity-onset diabetes of the young (MODY). Also called: Maturity onset diabetes mellitus in young. Identifiers: Orphanet 552, MedGen C0342276, MONDO:0018911, HP:0004904.
Maturity-onset diabetes of the young type 3. Also called: MODY type 3; MODY, type III. Identifiers: Orphanet 552, MedGen C1838100, MeSH C563933, MONDO:0010894, OMIM 600496. Disease mechanism: loss of function.
Diabetes mellitus type 1 (T1D). Also called: Diabetes Mellitus, Juvenile-Onset; Type I diabetes mellitus. Identifiers: MedGen C0011854, MONDO:0005147, OMIM 222100, HP:0100651.
Monogenic diabetes. Identifiers: Orphanet 183625, MedGen C3888631, MONDO:0015967.

Allele frequency attached by ClinVar (database versions not stated): gnomAD exomes 0.00001.
gnomAD v4.1: 2 of 1,614,156 alleles (0.00012%); highest among the groups gnomAD compares: African/African-American, 0.0013%; no homozygotes.

Submissions 1 to 5 of 12:

ClinGen Monogenic Diabetes Variant Curation Expert Panel
Classification: Pathogenic for Monogenic diabetes. Last evaluated: 2022-04-10. Review status: reviewed by expert panel. Criteria: ClinGen Diabetes ACMG Specifications v1 1. Collection method: curation. Allele origin: germline. Inheritance: Autosomal dominant inheritance.
Comment: The c.608G>A variant in the HNF1 homeobox A gene, HNF1A, causes an amino acid change of arginine to histidine at codon 203 (p.(Arg203His)) of NM_000545.8. This variant segregated with diabetes, in more than 10 families with MODY (PP1_Strong; internal lab contributors). Additionally, this variant was identified in at least 15 unrelated individuals with non- autoimmune and non-absolute/near-absolute insulin-deficient diabetes (PS4; PMIDs: 23348805, 27913849, internal lab contributors). This variant resides in an amino acid within the HNF1α DNA binding domain that directly binds DNA, which is defined as critical for the protein’s function by the ClinGen MDEP (PM1) and is absent from gnomAD v2.1.1 (PM2_Supporting). This variant is also predicted to be deleterious by computational evidence, with a REVEL score of 0.958, which is greater than the MDEP VCEP threshold of 0.70 (PP3). Functional studies demonstrated the p.Arg203His protein has abnormal nuclear localization below 40% of wildtype, indicating that this variant impacts protein function (PMID: 32910913) (PS3_Supporting). Lastly, this variant was identified in an individual with a clinical history highly specific for HNF1A-MODY (MODY probability calculator result >50%, negative genetic testing for HNF4A, and antibody negative) (PP4_Moderate; PMID:27913849). In summary, c.608G>A meets the criteria to be classified as pathogenic for monogenic diabetes. ACMG/AMP criteria applied, as specified by the ClinGen MDEP (specification version 1.0, approved 9/30/21): PS4, PP1_Strong, PM1, PM2_Supporting, PP4_Moderate,PP3, PS3_Supporting.

Nephrology Department, Shuyang Hospital of TCM, Shuyang Hospital of Traditional Chinese Medicine
Classification: Pathogenic for Maturity-onset diabetes of the young type 3. Last evaluated: 2026-07-31. Review status: criteria provided, single submitter. Criteria: ACMG Guidelines, 2015. Collection method: research. Allele origin: germline. Inheritance: Autosomal dominant inheritance. Affected: yes. Observed: 3 variant alleles, 3 heterozygotes. Clinical features observed: Maturity-onset diabetes of the young, Chronic kidney disease, stage 4, Nephrotic syndrome, Retinopathy, Brachydactyly, Strabismus, Diabetic nephropathy. Not counted in ClinVar's aggregate classification.
Comment: This variant (NM_000545.8:c.608G>A) is located in the POU DNA-binding domain of the HNF1A gene. It has been reported in multiple MODY3 families and shows complete co-segregation with the disease phenotype. Functional studies demonstrate impaired DNA-binding and transactivation activity. The variant is absent from population databases (gnomAD). Classified as Pathogenic according to ACMG/AMP guidelines (PM1, PM2_Supporting, PP1_Strong, PS3_Supporting, PP3, PS4).

Labcorp Genetics (formerly Invitae), Labcorp
Classification: Pathogenic. Last evaluated: 2026-01-18. Review status: criteria provided, single submitter. Criteria: Invitae Variant Classification Sherloc (09022015). Collection method: clinical testing. Allele origin: germline. Not counted in ClinVar's aggregate classification.
Comment: This sequence change replaces arginine, which is basic and polar, with histidine, which is basic and polar, at codon 203 of the HNF1A protein (p.Arg203His). This variant is present in population databases (rs587780357, gnomAD 0.007%). This missense change has been observed in individuals with clinical features of maturity-onset diabetes of the young (PMID: 10588527, 12627330, 15928245, 30293189). Invitae Evidence Modeling of clinical and family history, age, sex, and reported ancestry of multiple individuals with this HNF1A variant has been performed. This variant is expected to be pathogenic with a positive predictive value of at least 99%. This is a validated machine learning model that incorporates the clinical features of 42,750 individuals referred to our laboratory for HNF1A testing. ClinVar contains an entry for this variant (Variation ID: 129235). Invitae Evidence Modeling of protein sequence and biophysical properties (such as structural, functional, and spatial information, amino acid conservation, physicochemical variation, residue mobility, and thermodynamic stability) has been performed for this missense variant. However, the output from this modeling did not meet the statistical confidence thresholds required to predict the impact of this variant on HNF1A protein function. Experimental studies have shown that this missense change affects HNF1A function (PMID: 16274290). This variant disrupts the p.Arg203 amino acid residue in HNF1A. Other variant(s) that disrupt this residue have been determined to be pathogenic (PMID: 21168233, 30293189, 31363388; internal data). This suggests that this residue is clinically significant, and that variants that disrupt this residue are likely to be disease-causing. For these reasons, this variant has been classified as Pathogenic.

ARUP Laboratories, Molecular Genetics and Genomics, ARUP Laboratories
Classification: Pathogenic. Last evaluated: 2025-01-27. Review status: criteria provided, single submitter. Criteria: ARUP Molecular Germline Variant Investigation Process 2024. Collection method: clinical testing. Allele origin: germline. Not counted in ClinVar's aggregate classification.
Comment: The HNF1A c.608G>A;p.Arg203His variant (rs587780357, ClinVar Variation ID 129235) is reported in the literature in multiple individuals affected with monogenic diabetes (Ivanoshchuk 2023, Mirshahi 2022, Svalastoga 2023, Tsoi 2024, Wang 2022). This variant is only observed on two alleles in the Genome Aggregation Database (v2.1.1), indicating it is not a common polymorphism. Additionally, other amino acid substitutions at this codon (Arg203Cys, Arg203Gly, and Arg203Ser) have also been reported in individuals with monogenic diabetes (Lopez 2011, Mirshahi 2022, Santos Monteiro 2023). Functional analyses of the variant protein show reduced DNA binding and decreased transactivation by Arg203His variant (Althari 2020). Computational analyses predict that this variant is deleterious (REVEL: 0.958). Based on available information, this variant is considered to be pathogenic. References: Althari S et al. Unsupervised Clustering of Missense Variants in HNF1A Using Multidimensional Functional Data Aids Clinical Interpretation. Am J Hum Genet. 2020 Oct 1. PMID: 32910913. Ivanoshchuk D et al. The Mutation Spectrum of Rare Variants in the Gene of Adenosine Triphosphate (ATP)-Binding Cassette Subfamily C Member 8 in Patients with a MODY Phenotype in Western Siberia. J Pers Med. 2023 Jan 19. PMID: 36836406. Lopez AP et al. HNF1 alpha gene coding regions mutations screening, in a Caucasian population clinically characterized as MODY from Argentina. Diabetes Res Clin Pract. 2011 Feb. PMID: 21168233. Mirshahi UL et al. Reduced penetrance of MODY-associated HNF1A/HNF4A variants but not GCK variants in clinically unselected cohorts. Am J Hum Genet. 2022 Nov 3. PMID: 36257325. Santos Monteiro S et al. Maturity-onset diabetes of the young in a large Portuguese cohort. Acta Diabetol. 2023 Jan. PMID: 36208343. Svalastoga P et al. Characterisation of HNF1A variants in paediatric diabetes in Norway using functional and clinical investigations to unmask phenotype and monogenic diabetes. Diabetologia. 2023 Dec. PMID: 37798422. Tsoi STF et al. Monogenic diabetes in a Chinese population with young-onset diabetes: A 17-year prospective follow-up study in Hong Kong. Diabetes Metab Res Rev. 2024 Jul. PMID: 38821874. Wang DW et al. Early-onset diabetes involving three consecutive generations had different clinical features from age-matched type 2 diabetes without a family history in China. Endocrine. 2022 Oct. PMID: 35921062.

Women's Health and Genetics/Laboratory Corporation of America, LabCorp
Classification: Pathogenic for Maturity-onset diabetes of the young. Last evaluated: 2024-12-09. Review status: criteria provided, single submitter. Criteria: LabCorp Variant Classification Summary - May 2015. Collection method: clinical testing. Allele origin: germline. Not counted in ClinVar's aggregate classification.
Comment: Variant summary: HNF1A c.608G>A (p.Arg203His) results in a non-conservative amino acid change located in the Homeodomain (IPR001356) of the encoded protein sequence. Five of five in-silico tools predict a damaging effect of the variant on protein function. The variant allele was found at a frequency of 8e-06 in 251318 control chromosomes (gnomAD). c.608G>A has been reported in the literature in individuals affected with Maturity Onset Diabetes of The Young 3 (examples: Johansen_2005, Ng_1999, Pruhova_2003, Wang_2019). These data indicate that the variant is very likely to be associated with disease. A different variant affecting the same codon has been classified as pathogenic by our lab (c.607C>T, p.Arg203Cys), supporting the critical relevance of codon 203 to HNF1A protein function. Localization studies reveal that this variant affect subcellular localization and thereby protein function (Bjrkhaug_2005). The following publications have been ascertained in the context of this evaluation (PMID: 15928245, 10588527, 12627330, 30293189, 16274290). ClinVar contains an entry for this variant (Variation ID: 129235). Based on the evidence outlined above, the variant was classified as pathogenic.